The following is an entry in ClinVar:

ClinVar aggregate classification (germline): Uncertain significance (1 of 4 stars; one submission).

Allele frequency attached by ClinVar (database versions not stated): gnomAD 0.00001.
gnomAD v4.1: 1 of 1,613,986 alleles (0.000062%); highest among the groups gnomAD compares: African/African-American, 0.0013%; no homozygotes.

Submission:

GeneDx
Classification: Uncertain significance. Last evaluated: 2024-09-11. Review status: criteria provided, single submitter. Criteria: GeneDx Variant Classification Process June 2021. Collection method: clinical testing. Allele origin: germline. Affected: yes.
Comment: Not observed at significant frequency in large population cohorts (gnomAD); In silico analysis indicates that this missense variant does not alter protein structure/function; Has not been previously published as pathogenic or benign to our knowledge

NM_003098.3(SNTA1):c.1456A>G (p.Ile486Val)

Gene: SNTA1 (syntrophin alpha 1; minus strand). Cytogenetic location: 20q11.21.
Variant type: single nucleotide variant.
Coding change: c.1456A>G on transcript NM_003098.3 (MANE Select); coding-DNA position 1456, A replaced by G.
Protein change: p.Ile486Val; replaces isoleucine 486 with valine.
Molecular consequence: missense variant.
Genome position (GRCh38, 1-based): chr20:33,408,569, T>C on the plus strand (A>G on the coding strand, the complement: SNTA1 is on the minus strand). VCF-style: chr20-33408569-T-C. GRCh37 (hg19) VCF-style: chr20-31996375-T-C.
Other names: short protein forms I486V.
Identifiers: ClinVar variation 1710784 (VCV001710784.3), dbSNP rs1470898136, ClinGen allele CA408629986.